The following is an entry in ClinVar:

ClinVar aggregate classification (germline): Uncertain significance. Review status: criteria provided, multiple submitters, no conflicts (2 of 4 stars). 3 submissions from 3 submitters: Uncertain significance (3). Last evaluated 2023-06-27.

Conditions:
Cardiovascular phenotype. Identifiers: MedGen CN230736.
Dilated cardiomyopathy 1CC (CMD1CC). Identifiers: Orphanet 154, MedGen C2751084, MONDO:0013147, OMIM 613122.
Hypertrophic cardiomyopathy 20. Identifiers: MedGen C3151267, MONDO:0013477, OMIM 613876.

Allele frequency attached by ClinVar (database versions not stated): gnomAD exomes below 0.00001; gnomAD 0.00001; TOPMed 0.00001.
gnomAD v4.1: 5 of 1,612,614 alleles (0.00031%); highest among the groups gnomAD compares: African/African-American, 0.0013%; no homozygotes.

Submissions (3):

Labcorp Genetics (formerly Invitae), Labcorp
Classification: Uncertain significance for Dilated cardiomyopathy 1CC; Hypertrophic cardiomyopathy 20. Last evaluated: 2023-06-27. Review status: criteria provided, single submitter. Criteria: Invitae Variant Classification Sherloc (09022015). Collection method: clinical testing. Allele origin: germline.
Comment: This variant has not been reported in the literature in individuals affected with NEXN-related conditions. This sequence change replaces phenylalanine, which is neutral and non-polar, with leucine, which is neutral and non-polar, at codon 408 of the NEXN protein (p.Phe408Leu). This variant is present in population databases (rs794729083, gnomAD 0.007%). ClinVar contains an entry for this variant (Variation ID: 1392997). Advanced modeling of protein sequence and biophysical properties (such as structural, functional, and spatial information, amino acid conservation, physicochemical variation, residue mobility, and thermodynamic stability) has been performed at Invitae for this missense variant, however the output from this modeling did not meet the statistical confidence thresholds required to predict the impact of this variant on NEXN protein function. In summary, the available evidence is currently insufficient to determine the role of this variant in disease. Therefore, it has been classified as a Variant of Uncertain Significance.

Ambry Genetics
Classification: Uncertain significance for Cardiovascular phenotype. Last evaluated: 2022-08-17. Review status: criteria provided, single submitter. Criteria: Ambry Variant Classification Scheme 2023. Collection method: clinical testing. Allele origin: germline.

Fulgent Genetics
Classification: Uncertain significance for Dilated cardiomyopathy 1CC; Hypertrophic cardiomyopathy 20. Last evaluated: 2021-10-31. Review status: criteria provided, single submitter. Criteria: ACMG Guidelines, 2015. Collection method: clinical testing. Allele origin: unknown.

NM_144573.4(NEXN):c.1222T>C (p.Phe408Leu)

Gene: NEXN (nexilin F-actin binding protein; plus strand). Cytogenetic location: 1p31.1.
Variant type: single nucleotide variant.
Coding change: c.1222T>C on transcript NM_144573.4 (MANE Select); coding-DNA position 1222, T replaced by C.
Protein change: p.Phe408Leu; replaces phenylalanine 408 with leucine.
Molecular consequence: missense variant.
Genome position (GRCh38, 1-based): chr1:77,933,450, T>C. VCF-style: chr1-77933450-T-C. GRCh37 (hg19) VCF-style: chr1-78399135-T-C.
Other names: c.1030T>C, p.Phe344Leu (NM_001172309.2); short protein forms F408L, F344L.
Identifiers: ClinVar variation 1392997 (VCV001392997.9), dbSNP rs794729083, ClinGen allele CA335409.
Genomic context (GRCh38, chr1:77,933,450, plus strand): 5'-GAAGAAAAACGACGAACAGAGGAGGAACGGAAGCATAAGCTAGAAATGGAGAAACAAGAA[T>C]TTGAACAACTGAGACAGGAAATGGGAGAGGTAAGATTTTAAGAAATATCTATATTCCCCA-3'
Protein context (NP_653174.3, residues 398-418): KHKLEMEKQE[Phe408Leu]EQLRQEMGEE